The following is an entry in ClinVar:

NM_001080467.3(MYO5B):c.996C>A (p.Ile332=)

Gene: MYO5B (myosin VB; minus strand). Cytogenetic location: 18q21.1.
Variant type: single nucleotide variant.
Coding change: c.996C>A on transcript NM_001080467.3 (MANE Select); coding-DNA position 996, C replaced by A.
Protein change: p.Ile332=; no amino-acid change (isoleucine 332 retained).
Molecular consequence: synonymous variant.
Genome position (GRCh38, 1-based): chr18:49,980,504, G>T on the plus strand (C>A on the coding strand, the complement: MYO5B is on the minus strand). VCF-style: chr18-49980504-G-T. GRCh37 (hg19) VCF-style: chr18-47506874-G-T.
Identifiers: ClinVar variation 327072 (VCV000327072.18), dbSNP rs16951352, ClinGen allele CA8961683.

ClinVar aggregate classification (germline): Benign. Review status: criteria provided, multiple submitters, no conflicts (2 of 4 stars). 4 submissions from 4 submitters: Benign (3). 1 of the submissions does not count toward it. Last evaluated 2026-01-27.

Conditions:
MYO5B-related disorder. Also called: MYO5B-related condition.
Congenital microvillous atrophy (DIAR2). Also called: DAVIDSON DISEASE; MICROVILLUS ATROPHY, CONGENITAL; Microvillus inclusion disease; Diarrhea 2 with microvillus atrophy, with or without cholestasis; CONGENITAL FAMILIAL PROTRACTED DIARRHEA WITH ENTEROCYTE BRUSH-BORDER ABNORMALITIES. Identifiers: Orphanet 2290, MedGen C0341306, MONDO:0009635, OMIM 251850.

Allele frequency attached by ClinVar (database versions not stated): TOPMed 0.01099; ESP Exome Variant Server 0.01104; 1000 Genomes Project 0.01218; 1000 Genomes Project 30x 0.01249.
gnomAD v4.1: 3,831 of 1,613,988 alleles (0.24%); highest among the groups gnomAD compares: African/African-American, 3.1%; 42 homozygotes.

Submissions (4):

Labcorp Genetics (formerly Invitae), Labcorp
Classification: Benign. Last evaluated: 2026-01-27. Review status: criteria provided, single submitter. Criteria: Invitae Variant Classification Sherloc (09022015). Collection method: clinical testing. Allele origin: germline.

Illumina Laboratory Services, Illumina
Classification: Benign for Congenital microvillous atrophy. Last evaluated: 2018-01-13. Review status: criteria provided, single submitter. Criteria: ICSL Variant Classification Criteria 13 December 2019. Collection method: clinical testing. Allele origin: germline.
Comment: This variant was observed in the ICSL laboratory as part of a predisposition screen in an ostensibly healthy population. It had not been previously curated by ICSL or reported in the Human Gene Mutation Database (HGMD: prior to June 1st, 2018), and was therefore a candidate for classification through an automated scoring system. Utilizing variant allele frequency, disease prevalence and penetrance estimates, and inheritance mode, an automated score was calculated to assess if this variant is too frequent to cause the disease. Based on the score and internal cut-off values, a variant classified as benign is not then subjected to further curation. The score for this variant resulted in a classification of benign for this disease.

Breakthrough Genomics
Classification: Benign. Review status: criteria provided, single submitter. Criteria: ACMG Guidelines, 2015. Collection method: not provided. Allele origin: germline. Inheritance: Autosomal recessive inheritance. Affected: yes.

PreventionGenetics, part of Exact Sciences
Classification: Benign for MYO5B-related condition. Last evaluated: 2019-02-22. Review status: no assertion criteria provided. Collection method: clinical testing. Allele origin: germline. Not counted in ClinVar's aggregate classification.
Comment: This variant is classified as benign based on ACMG/AMP sequence variant interpretation guidelines (Richards et al. 2015 PMID: 25741868, with internal and published modifications).